The following is an entry in ClinVar:

ClinVar aggregate classification (germline): Benign. Review status: criteria provided, multiple submitters, no conflicts (2 of 4 stars). 3 submissions from 3 submitters: Benign (3). Last evaluated 2019-12-31.

Conditions:
Glucocorticoid deficiency 2 (GCCD2). Also called: FAMILIAL GLUCOCORTICOID DEFICIENCY 2. Identifiers: Orphanet 361, MedGen C4049714, MONDO:0011826, OMIM 607398.

Allele frequency attached by ClinVar (database versions not stated): gnomAD exomes 0.00120 and 0.00353; ExAC 0.00460; gnomAD 0.01424 and 0.01515; TOPMed 0.01546; 1000 Genomes Project 0.01558; ESP Exome Variant Server 0.01699; 1000 Genomes Project 30x 0.02014.
gnomAD v4.1: 4,008 of 1,614,154 alleles (0.25%); highest among the groups gnomAD compares: African/African-American, 4.7%; 80 homozygotes.

Submissions (3):

Labcorp Genetics (formerly Invitae), Labcorp
Classification: Benign. Last evaluated: 2019-12-31. Review status: criteria provided, single submitter. Criteria: Invitae Variant Classification Sherloc (09022015). Collection method: clinical testing. Allele origin: germline.

Illumina Laboratory Services, Illumina
Classification: Benign for Glucocorticoid deficiency 2. Last evaluated: 2018-01-13. Review status: criteria provided, single submitter. Criteria: ICSL Variant Classification Criteria 13 December 2019. Collection method: clinical testing. Allele origin: germline.
Comment: This variant was observed in the ICSL laboratory as part of a predisposition screen in an ostensibly healthy population. It had not been previously curated by ICSL or reported in the Human Gene Mutation Database (HGMD: prior to June 1st, 2018), and was therefore a candidate for classification through an automated scoring system. Utilizing variant allele frequency, disease prevalence and penetrance estimates, and inheritance mode, an automated score was calculated to assess if this variant is too frequent to cause the disease. Based on the score and internal cut-off values, a variant classified as benign is not then subjected to further curation. The score for this variant resulted in a classification of benign for this disease.

Breakthrough Genomics
Classification: Benign. Review status: criteria provided, single submitter. Criteria: ACMG Guidelines, 2015. Collection method: not provided. Allele origin: germline. Inheritance: Autosomal recessive inheritance. Affected: yes.

NM_001379228.1(MRAP):c.389C>T (p.Thr130Ile)

Genes: MRAP (melanocortin 2 receptor accessory protein; plus strand), URB1 (URB1 ribosome biogenesis factor; minus strand). Cytogenetic location: 21q22.11.
Variant type: single nucleotide variant.
Coding change: c.389C>T on transcript NM_001379228.1 (MANE Select); coding-DNA position 389, C replaced by T.
Protein change: p.Thr130Ile; replaces threonine 130 with isoleucine.
Molecular consequence: missense variant. On other transcripts: 3 prime UTR variant (1), intron variant (1).
Genome position (GRCh38, 1-based): chr21:32,311,866, C>T. VCF-style: chr21-32311866-C-T. GRCh37 (hg19) VCF-style: chr21-33684177-C-T.
Other names: c.212C>T, p.Thr71Ile (NM_001285394.2); c.389C>T, p.Thr130Ile (NM_178817.4); c.*3052G>A (NM_014825.3); c.207-2685C>T (NM_206898.2); short protein forms T130I, T71I.
Identifiers: ClinVar variation 339682 (VCV000339682.10), dbSNP rs114530014, ClinGen allele CA10001048.